The following is an entry in ClinVar:

ClinVar aggregate classification (germline): Uncertain significance (1 of 4 stars; one submission).

Conditions:
Baller-Gerold syndrome (BGS). Also called: CRANIOSYNOSTOSIS WITH RADIAL DEFECTS. Identifiers: Orphanet 1225, MedGen C0265308, MONDO:0009039, OMIM 218600.

Allele frequency attached by ClinVar (database versions not stated): TOPMed below 0.00001.

Submission:

Labcorp Genetics (formerly Invitae), Labcorp
Classification: Uncertain significance for Baller-Gerold syndrome. Last evaluated: 2024-10-08. Review status: criteria provided, single submitter. Criteria: Invitae Variant Classification Sherloc (09022015). Collection method: clinical testing. Allele origin: germline.
Comment: This sequence change replaces glutamic acid, which is acidic and polar, with glutamine, which is neutral and polar, at codon 1109 of the RECQL4 protein (p.Glu1109Gln). This variant is not present in population databases (gnomAD no frequency). This variant has not been reported in the literature in individuals affected with RECQL4-related conditions. ClinVar contains an entry for this variant (Variation ID: 657305). Invitae Evidence Modeling of protein sequence and biophysical properties (such as structural, functional, and spatial information, amino acid conservation, physicochemical variation, residue mobility, and thermodynamic stability) indicates that this missense variant is not expected to disrupt RECQL4 protein function with a negative predictive value of 80%. In summary, the available evidence is currently insufficient to determine the role of this variant in disease. Therefore, it has been classified as a Variant of Uncertain Significance.

NM_004260.4(RECQL4):c.3325G>C (p.Glu1109Gln)

Gene: RECQL4 (RecQ like helicase 4; minus strand). Cytogenetic location: 8q24.3.
Variant type: single nucleotide variant.
Coding change: c.3325G>C on transcript NM_004260.4 (MANE Select); coding-DNA position 3325, G replaced by C.
Protein change: p.Glu1109Gln; replaces glutamic acid 1109 with glutamine.
Molecular consequence: missense variant.
Genome position (GRCh38, 1-based): chr8:144,511,979, C>G on the plus strand (G>C on the coding strand, the complement: RECQL4 is on the minus strand). VCF-style: chr8-144511979-C-G. GRCh37 (hg19) VCF-style: chr8-145737362-C-G.
Other names: short protein forms E1109Q.
Identifiers: ClinVar variation 657305 (VCV000657305.5), dbSNP rs1586791117, ClinGen allele CA372668630.